The following is an entry in ClinVar:

ClinVar aggregate classification (germline): Uncertain significance (1 of 4 stars; one submission).

Conditions:
Ataxia-telangiectasia syndrome (AT). Also called: Ataxia-telangiectasia; Ataxia-telangiectasia, complementation group D; Ataxia telangiectasia (A-T); LOUIS-BAR SYNDROME; AT, COMPLEMENTATION GROUP C; ATAXIA-TELANGIECTASIA, COMPLEMENTATION GROUP A. Identifiers: Orphanet 100, MedGen C0004135, MONDO:0008840, OMIM 208900.

Submission:

Labcorp Genetics (formerly Invitae), Labcorp
Classification: Uncertain significance for Ataxia-telangiectasia syndrome. Last evaluated: 2025-06-25. Review status: criteria provided, single submitter. Criteria: Invitae Variant Classification Sherloc (09022015). Collection method: clinical testing. Allele origin: germline.
Comment: This sequence change replaces phenylalanine, which is neutral and non-polar, with serine, which is neutral and polar, at codon 1588 of the ATM protein (p.Phe1588Ser). This variant is not present in population databases (gnomAD no frequency). This variant has not been reported in the literature in individuals affected with ATM-related conditions. Invitae Evidence Modeling of protein sequence and biophysical properties (such as structural, functional, and spatial information, amino acid conservation, physicochemical variation, residue mobility, and thermodynamic stability) indicates that this missense variant is not expected to disrupt ATM protein function with a negative predictive value of 95%. In summary, the available evidence is currently insufficient to determine the role of this variant in disease. Therefore, it has been classified as a Variant of Uncertain Significance.

NM_000051.4(ATM):c.4763T>C (p.Phe1588Ser)

Gene: ATM (ATM serine/threonine kinase; plus strand). Cytogenetic location: 11q22.3.
Variant type: single nucleotide variant.
Coding change: c.4763T>C on transcript NM_000051.4 (MANE Select); coding-DNA position 4763, T replaced by C.
Protein change: p.Phe1588Ser; replaces phenylalanine 1588 with serine.
Molecular consequence: missense variant.
Genome position (GRCh38, 1-based): chr11:108,293,464, T>C. VCF-style: chr11-108293464-T-C. GRCh37 (hg19) VCF-style: chr11-108164191-T-C.
Other names: c.4763T>C, p.Phe1588Ser (NM_001351834.2); short protein forms F1588S.
Identifiers: ClinVar variation 4774513 (VCV004774513.1).